The following is an entry in ClinVar:

NM_000088.4(COL1A1):c.3093C>T (p.Gly1031=)

Gene: COL1A1 (collagen type I alpha 1 chain; minus strand). Cytogenetic location: 17q21.33.
Variant type: single nucleotide variant.
Coding change: c.3093C>T on transcript NM_000088.4 (MANE Select); coding-DNA position 3093, C replaced by T.
Protein change: p.Gly1031=; no amino-acid change (glycine 1031 retained).
Molecular consequence: synonymous variant.
Genome position (GRCh38, 1-based): chr17:50,188,748, G>A on the plus strand (C>T on the coding strand, the complement: COL1A1 is on the minus strand). VCF-style: chr17-50188748-G-A. GRCh37 (hg19) VCF-style: chr17-48266109-G-A.
Other names: p.Gly1031=.
Identifiers: ClinVar variation 1133099 (VCV001133099.47), dbSNP rs753135498, ClinGen allele CA8644581.

ClinVar aggregate classification (germline): Likely benign. Review status: criteria provided, multiple submitters, no conflicts (2 of 4 stars). 5 submissions from 5 submitters: Likely benign (5). Last evaluated 2025-12-21.

Conditions:
Cardiovascular phenotype. Identifiers: MedGen CN230736.
Osteogenesis imperfecta type I (OI1). Also called: Lobstein's Disease; Lobstein disease; Classic Non-deforming Osteogenesis Imperfecta with Blue Sclerae; Osteogenesis imperfecta type 1; OI, TYPE I; OSTEOGENESIS IMPERFECTA TARDA. Identifiers: Orphanet 216796, Orphanet 666, MedGen C0023931, MONDO:0008146, OMIM 166200. Disease mechanism: loss of function.

Allele frequency attached by ClinVar (database versions not stated): ExAC 0.00003; gnomAD 0.00003; gnomAD exomes 0.00004.
gnomAD v4.1: 37 of 1,613,944 alleles (0.0023%); highest among the groups gnomAD compares: Admixed American, 0.0033%; no homozygotes.

Submissions (5):

Labcorp Genetics (formerly Invitae), Labcorp
Classification: Likely benign for Osteogenesis imperfecta type I. Last evaluated: 2025-12-21. Review status: criteria provided, single submitter. Criteria: Invitae Variant Classification Sherloc (09022015). Collection method: clinical testing. Allele origin: germline.

Mayo Clinic Laboratories, Mayo Clinic
Classification: Likely benign. Last evaluated: 2025-08-28. Review status: criteria provided, single submitter. Criteria: ACMG Guidelines, 2015. Collection method: clinical testing. Allele origin: germline. Observed: 2 variant alleles.
Comment: BS1, BP4, BP7

Ambry Genetics
Classification: Likely benign for Cardiovascular phenotype. Last evaluated: 2022-04-19. Review status: criteria provided, single submitter. Criteria: Ambry Variant Classification Scheme 2023. Collection method: clinical testing. Allele origin: germline.

CeGaT Center for Human Genetics Tuebingen
Classification: Likely benign. Last evaluated: 2021-06-01. Review status: criteria provided, single submitter. Criteria: CeGaT Center For Human Genetics Tuebingen Variant Classification Criteria Version 2. Collection method: clinical testing. Allele origin: germline. Affected: yes. Observed: 1 variant allele.

Blueprint Genetics
Classification: Likely benign. Last evaluated: 2021-05-24. Review status: criteria provided, single submitter. Criteria: ACMG Guidelines, 2015. Collection method: clinical testing. Allele origin: germline.